The following is an entry in ClinVar:

ClinVar aggregate classification (germline): Likely pathogenic (1 of 4 stars; one submission).

Conditions:
Congenital muscular hypertrophy-cerebral syndrome (CDLS2). Also called: Cornelia de Lange syndrome 2; SMC1A-Related Cornelia de Lange Syndrome. Identifiers: Orphanet 199, MedGen C1802395, MONDO:0010370, OMIM 300590.

Submission:

Labcorp Genetics (formerly Invitae), Labcorp
Classification: Likely pathogenic for Congenital muscular hypertrophy-cerebral syndrome. Last evaluated: 2020-10-09. Review status: criteria provided, single submitter. Criteria: Invitae Variant Classification Sherloc (09022015). Collection method: clinical testing. Allele origin: germline.
Comment: This sequence change replaces cysteine with phenylalanine at codon 1115 of the SMC1A protein (p.Cys1115Phe). The cysteine residue is moderately conserved and there is a large physicochemical difference between cysteine and phenylalanine. This variant is not present in population databases (ExAC no frequency). This variant has not been reported in the literature in individuals with SMC1A-related conditions. Advanced modeling of protein sequence and biophysical properties (such as structural, functional, and spatial information, amino acid conservation, physicochemical variation, residue mobility, and thermodynamic stability) performed at Invitae indicates that this missense variant is expected to disrupt SMC1A protein function. This variant disrupts the p.Cys1115 amino acid residue in SMC1A. Other variant(s) that disrupt this residue have been determined to be pathogenic (Invitae). This suggests that this residue is clinically significant, and that variants that disrupt this residue are likely to be disease-causing. In summary, the currently available evidence indicates that the variant is pathogenic, but additional data are needed to prove that conclusively. Therefore, this variant has been classified as Likely Pathogenic.

NM_006306.4(SMC1A):c.3344G>T (p.Cys1115Phe)

Gene: SMC1A (structural maintenance of chromosomes 1A; minus strand). Cytogenetic location: Xp11.22.
Variant type: single nucleotide variant.
Coding change: c.3344G>T on transcript NM_006306.4 (MANE Select); coding-DNA position 3344, G replaced by T.
Protein change: p.Cys1115Phe; replaces cysteine 1115 with phenylalanine.
Molecular consequence: missense variant.
Genome position (GRCh38, 1-based): chrX:53,382,325, C>A on the plus strand (G>T on the coding strand, the complement: SMC1A is on the minus strand). VCF-style: chrX-53382325-C-A. GRCh37 (hg19) VCF-style: chrX-53409246-C-A.
Other names: c.3278G>T, p.Cys1093Phe (NM_001281463.1); short protein forms C1093F, C1115F.
Identifiers: ClinVar variation 1068123 (VCV001068123.9), dbSNP rs2146582443, ClinGen allele CA413243430.